The following is an entry in ClinVar:

ClinVar aggregate classification (germline): Likely benign (1 of 4 stars; one submission).

gnomAD v4.1: 777 of 1,611,854 alleles (0.048%); highest among the groups gnomAD compares: Non-Finnish European, 0.062%; 1 homozygote.

Submission:

Mayo Clinic Laboratories, Mayo Clinic
Classification: Likely benign. Last evaluated: 2024-10-01. Review status: criteria provided, single submitter. Criteria: ACMG Guidelines, 2015. Collection method: clinical testing. Allele origin: germline. Observed: 1 variant allele.
Comment: BP4, BP7, PM2_supporting

NM_001355436.2(SPTB):c.4974-24G>C

Gene: SPTB (spectrin beta, erythrocytic; minus strand). Cytogenetic location: 14q23.3.
Variant type: single nucleotide variant.
Coding change: c.4974-24G>C on transcript NM_001355436.2 (MANE Select); 24 bases into the intron before coding-DNA position 4974, G replaced by C.
Molecular consequence: intron variant.
Genome position (GRCh38, 1-based): chr14:64,773,448, C>G on the plus strand (G>C on the coding strand, the complement: SPTB is on the minus strand). VCF-style: chr14-64773448-C-G. GRCh37 (hg19) VCF-style: chr14-65240166-C-G.
Other names: p.?; c.4974-24G>C (NM_001024858.4, NM_001355437.2).
Identifiers: ClinVar variation 4683876 (VCV004683876.1).